The following is an entry in ClinVar:

NM_014874.4(MFN2):c.2200C>G (p.Leu734Val)

Gene: MFN2 (mitofusin 2; plus strand). Cytogenetic location: 1p36.22.
Variant type: single nucleotide variant.
Coding change: c.2200C>G on transcript NM_014874.4 (MANE Select); coding-DNA position 2200, C replaced by G.
Protein change: p.Leu734Val; replaces leucine 734 with valine.
Molecular consequence: missense variant.
Genome position (GRCh38, 1-based): chr1:12,009,722, C>G. VCF-style: chr1-12009722-C-G. GRCh37 (hg19) VCF-style: chr1-12069779-C-G.
Other names: c.2200C>G, p.Leu734Val (NM_001127660.2); short protein forms L734V.
Identifiers: ClinVar variation 637062 (VCV000637062.4), dbSNP rs900143738, ClinGen allele CA338453441.

ClinVar aggregate classification (germline): Uncertain significance. Review status: criteria provided, single submitter (1 of 4 stars). 2 submissions from 2 submitters: Uncertain significance (1). 1 of the submissions does not count toward it. Last evaluated 2023-03-03.

Conditions:
Charcot-Marie-Tooth disease. Also called: Charcot-Marie-Tooth Neuropathy; Charcot-Marie-Tooth Hereditary Neuropathy. Identifiers: Orphanet 166, MedGen C0007959, MONDO:0015626.
Charcot-Marie-Tooth disease type 2. Also called: Charcot-Marie-Tooth type 2. Identifiers: Orphanet 64746, MedGen C0270914, MONDO:0018993.

Submissions (2):

Labcorp Genetics (formerly Invitae), Labcorp
Classification: Uncertain significance for Charcot-Marie-Tooth disease type 2. Last evaluated: 2023-03-03. Review status: criteria provided, single submitter. Criteria: Invitae Variant Classification Sherloc (09022015). Collection method: clinical testing. Allele origin: germline.
Comment: In summary, the available evidence is currently insufficient to determine the role of this variant in disease. Therefore, it has been classified as a Variant of Uncertain Significance. Advanced modeling of protein sequence and biophysical properties (such as structural, functional, and spatial information, amino acid conservation, physicochemical variation, residue mobility, and thermodynamic stability) performed at Invitae indicates that this missense variant is expected to disrupt MFN2 protein function. ClinVar contains an entry for this variant (Variation ID: 637062). This missense change has been observed in individual(s) with Charcot-Marie-Tooth Type 2A (PMID: 18316077). This variant is not present in population databases (gnomAD no frequency). This sequence change replaces leucine, which is neutral and non-polar, with valine, which is neutral and non-polar, at codon 734 of the MFN2 protein (p.Leu734Val).

Inherited Neuropathy Consortium
Classification: Uncertain significance for Charcot-Marie-Tooth disease. Review status: no assertion criteria provided. Collection method: literature only. Allele origin: germline. Affected: yes. Not counted in ClinVar's aggregate classification.

Literature cited by the submitters: PubMed 18316077 (cited by Labcorp Genetics (formerly Invitae), Labcorp and Inherited Neuropathy Consortium).